The following is an entry in ClinVar:

NM_000548.5(TSC2):c.2808G>A (p.Arg936=)

Gene: TSC2 (TSC complex subunit 2; plus strand). Cytogenetic location: 16p13.3.
Variant type: single nucleotide variant.
Coding change: c.2808G>A on transcript NM_000548.5 (MANE Select); coding-DNA position 2808, G replaced by A.
Protein change: p.Arg936=; no amino-acid change (arginine 936 retained).
Molecular consequence: synonymous variant. On other transcripts: non-coding transcript variant (5).
Genome position (GRCh38, 1-based): chr16:2,076,556, G>A. VCF-style: chr16-2076556-G-A. GRCh37 (hg19) VCF-style: chr16-2126557-G-A.
Other names: c.2808G>A, p.Arg936= (NM_001077183.3, NM_001114382.3, NM_001363528.2 and 6 more transcripts); c.2697G>A, p.Arg899= (NM_001318827.2, NM_001406670.1, NM_001406678.1); c.2661G>A, p.Arg887= (NM_001318829.2, NM_001406675.1, NM_001406676.1 and 1 more transcripts); c.2208G>A, p.Arg736= (NM_001318831.2, NM_001406680.1, NM_001406682.1 and 6 more transcripts); c.2841G>A, p.Arg947= (NM_001318832.2); c.2898G>A, p.Arg966= (NM_001406667.1, NM_001406668.1); c.2796G>A, p.Arg932= (NM_001406671.1, NM_001406673.1); c.2751G>A, p.Arg917= (NM_001406677.1); and 3 more.
Identifiers: ClinVar variation 4071112 (VCV004071112.1).

ClinVar aggregate classification (germline): Benign (1 of 4 stars; one submission).

Conditions:
Tuberous sclerosis 2 (TSC2). Identifiers: Orphanet 805, MedGen C1860707, MONDO:0013199, OMIM 613254.

Submission:

Myriad Genetics, Inc.
Classification: Benign for Tuberous sclerosis 2. Last evaluated: 2025-05-27. Review status: criteria provided, single submitter. Criteria: Myriad Autosomal Dominant, Autosomal Recessive and X-Linked Classification Criteria (2023). Collection method: clinical testing. Allele origin: unknown.
Comment: This variant is considered benign. This variant is a silent/synonymous amino acid change and it is not expected to impact splicing.